The following is an entry in ClinVar:

NM_024426.6(WT1):c.976G>C (p.Gly326Arg)

Gene: WT1 (WT1 transcription factor; minus strand). Cytogenetic location: 11p13.
Variant type: single nucleotide variant.
Coding change: c.976G>C on transcript NM_024426.6 (MANE Select); coding-DNA position 976, G replaced by C.
Protein change: p.Gly326Arg; replaces glycine 326 with arginine.
Molecular consequence: missense variant. On other transcripts: non-coding transcript variant (1), intron variant (6).
Genome position (GRCh38, 1-based): chr11:32,416,530, C>G on the plus strand (G>C on the coding strand, the complement: WT1 is on the minus strand). VCF-style: chr11-32416530-C-G. GRCh37 (hg19) VCF-style: chr11-32438076-C-G.
Other names: c.325G>C, p.Gly109Arg (NM_001198551.2); c.976G>C, p.Gly326Arg (NM_001407044.1, NM_001407046.1, NM_024424.5); c.853G>C, p.Gly285Arg (NM_001407047.1); c.214G>C, p.Gly72Arg (NM_001407051.1); c.842+1047G>C (NM_001407050.1); c.965+1047G>C (NM_001407048.1, NM_001407049.1, NM_000378.6 and 1 more transcripts); c.314+1047G>C (NM_001198552.2); short protein forms G72R, G326R, G109R, G321R, G285R.
Identifiers: ClinVar variation 2942260 (VCV002942260.3), dbSNP rs2494362488, ClinGen allele CA379961858.

ClinVar aggregate classification (germline): Uncertain significance (1 of 4 stars; one submission).

Conditions:
Frasier syndrome. Identifiers: Orphanet 347, MedGen C0950122, MeSH D052159, MONDO:0007635, OMIM 136680.
Drash syndrome (DDS). Also called: NEPHROPATHY, WILMS TUMOR, AND GENITAL ANOMALIES; WILMS TUMOR AND PSEUDO- OR TRUE HERMAPHRODITISM. Identifiers: Orphanet 220, MedGen C0950121, MONDO:0008682, OMIM 194080.
Wilms tumor 1 (WT1). Also called: Wilms tumor, somatic. Identifiers: Orphanet 654, MedGen CN033288, MONDO:0008679, OMIM 194070.
11p partial monosomy syndrome (WAGR). Also called: CHROMOSOME 11p13 DELETION SYNDROME; WAGR syndrome; WAGR Complex; WAGR Spectrum Disorder. Identifiers: Orphanet 893, MedGen C0206115, MONDO:0008681, OMIM 194072.

Submission:

Labcorp Genetics (formerly Invitae), Labcorp
Classification: Uncertain significance for Wilms tumor 1; Drash syndrome; 11p partial monosomy syndrome; Frasier syndrome. Last evaluated: 2022-12-12. Review status: criteria provided, single submitter. Criteria: Invitae Variant Classification Sherloc (09022015). Collection method: clinical testing. Allele origin: germline.
Comment: In summary, the available evidence is currently insufficient to determine the role of this variant in disease. Therefore, it has been classified as a Variant of Uncertain Significance. Algorithms developed to predict the effect of missense changes on protein structure and function are either unavailable or do not agree on the potential impact of this missense change (SIFT: "Deleterious"; PolyPhen-2: "Possibly Damaging"; Align-GVGD: "Class C0"). This variant has not been reported in the literature in individuals affected with WT1-related conditions. This variant is not present in population databases (gnomAD no frequency). This sequence change replaces glycine, which is neutral and non-polar, with arginine, which is basic and polar, at codon 321 of the WT1 protein (p.Gly321Arg).